The following is an entry in ClinVar:

NM_000492.4(CFTR):c.975T>C (p.Tyr325=)

Gene: CFTR (CF transmembrane conductance regulator; plus strand). Cytogenetic location: 7q31.2.
Variant type: single nucleotide variant.
Coding change: c.975T>C on transcript NM_000492.4 (MANE Select); coding-DNA position 975, T replaced by C.
Protein change: p.Tyr325=; no amino-acid change (tyrosine 325 retained).
Molecular consequence: synonymous variant.
Genome position (GRCh38, 1-based): chr7:117,540,205, T>C. VCF-style: chr7-117540205-T-C. GRCh37 (hg19) VCF-style: chr7-117180259-T-C.
Identifiers: ClinVar variation 3491669 (VCV003491669.1).

ClinVar aggregate classification (germline): Uncertain significance (1 of 4 stars; one submission).

Conditions:
Cystic fibrosis (CF). Also called: MUCOVISCIDOSIS. Identifiers: Orphanet 586, MedGen C0010674, MONDO:0009061, OMIM 219700. Disease mechanism: loss of function.

Submission:

Ambry Genetics
Classification: Uncertain significance for Cystic fibrosis. Last evaluated: 2024-10-03. Review status: criteria provided, single submitter. Criteria: Ambry Variant Classification Scheme 2023. Collection method: clinical testing. Allele origin: germline.
Comment: The c.975T>C variant (also known as p.Y325Y), located in coding exon 8 of the CFTR gene, results from a T to C substitution at nucleotide position 975. This nucleotide substitution does not change the amino acid at codon 325. This nucleotide position is not well conserved in available vertebrate species. In silico splice site analysis for this alteration is inconclusive. Based on the available evidence, the clinical significance of this variant remains unclear.